The following is an entry in ClinVar:

NM_004036.5(ADCY3):c.141G>C (p.Leu47=)

Gene: ADCY3 (adenylate cyclase 3; minus strand). Cytogenetic location: 2p23.3.
Variant type: single nucleotide variant.
Coding change: c.141G>C on transcript NM_004036.5 (MANE Select); coding-DNA position 141, G replaced by C.
Protein change: p.Leu47=; no amino-acid change (leucine 47 retained).
Molecular consequence: synonymous variant.
Genome position (GRCh38, 1-based): chr2:24,918,847, C>G on the plus strand (G>C on the coding strand, the complement: ADCY3 is on the minus strand). VCF-style: chr2-24918847-C-G. GRCh37 (hg19) VCF-style: chr2-25141716-C-G.
Other names: c.141G>C, p.Leu47= (NM_001320613.2, NM_001377128.1, NM_001377129.1 and 2 more transcripts).
Identifiers: ClinVar variation 3043077 (VCV003043077.3), dbSNP rs146260732, ClinGen allele CA1554567.

ClinVar aggregate classification (germline): Likely benign. Review status: criteria provided, single submitter (1 of 4 stars). 2 submissions from 2 submitters: Likely benign (1). 1 of the submissions does not count toward it. Last evaluated 2024-07-04.

Conditions:
ADCY3-related disorder. Also called: ADCY3-related condition.

Allele frequency attached by ClinVar (database versions not stated): gnomAD 0.00011; ExAC 0.00012; TOPMed 0.00018; ESP Exome Variant Server 0.00023.
gnomAD v4.1: 327 of 1,613,364 alleles (0.02%); highest among the groups gnomAD compares: Non-Finnish European, 0.026%; no homozygotes.

Submissions (2):

Blueprint Genetics
Classification: Likely benign. Last evaluated: 2024-07-04. Review status: criteria provided, single submitter. Criteria: ACMG Guidelines, 2015. Collection method: clinical testing. Allele origin: germline.

PreventionGenetics, part of Exact Sciences
Classification: Likely benign for ADCY3-related condition. Last evaluated: 2019-10-01. Review status: no assertion criteria provided. Collection method: clinical testing. Allele origin: germline. Not counted in ClinVar's aggregate classification.
Comment: This variant is classified as likely benign based on ACMG/AMP sequence variant interpretation guidelines (Richards et al. 2015 PMID: 25741868, with internal and published modifications).